The following is an entry in ClinVar:

ClinVar aggregate classification (germline): Uncertain significance (1 of 4 stars; one submission).

Conditions:
Cardiovascular phenotype. Identifiers: MedGen CN230736.

Submission:

Ambry Genetics
Classification: Uncertain significance for Cardiovascular phenotype. Last evaluated: 2023-09-13. Review status: criteria provided, single submitter. Criteria: Ambry Variant Classification Scheme 2023. Collection method: clinical testing. Allele origin: germline.
Comment: The p.E3806D variant (also known as c.11418G>C), located in coding exon 43 of the ANK2 gene, results from a G to C substitution at nucleotide position 11418. The glutamic acid at codon 3806 is replaced by aspartic acid, an amino acid with highly similar properties. This amino acid position is conserved. In addition, the in silico prediction for this alteration is inconclusive. Since supporting evidence is limited at this time, the clinical significance of this alteration remains unclear.

NM_001148.6(ANK2):c.11418G>C (p.Glu3806Asp)

Gene: ANK2 (ankyrin 2; plus strand). Cytogenetic location: 4q26.
Variant type: single nucleotide variant.
Coding change: c.11418G>C on transcript NM_001148.6 (MANE Select); coding-DNA position 11418, G replaced by C.
Protein change: p.Glu3806Asp; replaces glutamic acid 3806 with aspartic acid.
Molecular consequence: missense variant.
Genome position (GRCh38, 1-based): chr4:113,369,613, G>C. VCF-style: chr4-113369613-G-C. GRCh37 (hg19) VCF-style: chr4-114290769-G-C.
Other names: c.5136G>C, p.Glu1712Asp (NM_001127493.3); c.5175G>C, p.Glu1725Asp (NM_001354225.2); c.5064G>C, p.Glu1688Asp (NM_001354228.2, NM_001354258.2); c.5142G>C, p.Glu1714Asp (NM_001354230.2); c.5205G>C, p.Glu1735Asp (NM_001354231.2, NM_001354242.2); c.5199G>C, p.Glu1733Asp (NM_001354232.2); c.5160G>C, p.Glu1720Asp (NM_001354235.2, NM_001354246.2, NM_001354265.2); c.5061G>C, p.Glu1687Asp (NM_001354236.2); and 35 more; short protein forms E1593D, E1634D, E1643D, E1663D, E1666D, E1674D, E1699D, E1720D.
Identifiers: ClinVar variation 2585817 (VCV002585817.2), dbSNP rs2154066267, ClinGen allele CA357942674.